The following is an entry in ClinVar:

ClinVar aggregate classification (germline): Uncertain significance (1 of 4 stars; one submission).

Conditions:
Hereditary cancer-predisposing syndrome. Also called: Neoplastic Syndromes, Hereditary; Tumor predisposition; Hereditary Cancer Syndrome; Hereditary neoplastic syndrome. Identifiers: Orphanet 140162, MedGen C0027672, MeSH D009386, MONDO:0015356.

Submission:

Ambry Genetics
Classification: Uncertain significance for Hereditary cancer-predisposing syndrome. Last evaluated: 2022-09-08. Review status: criteria provided, single submitter. Criteria: Ambry Variant Classification Scheme 2023. Collection method: clinical testing. Allele origin: germline.
Comment: The p.A39T variant (also known as c.115G>A), located in coding exon 1 of the FANCC gene, results from a G to A substitution at nucleotide position 115. The alanine at codon 39 is replaced by threonine, an amino acid with similar properties. This amino acid position is conserved. In addition, this alteration is predicted to be tolerated by in silico analysis. Since supporting evidence is limited at this time, the clinical significance of this alteration remains unclear.

NM_000136.3(FANCC):c.115G>A (p.Ala39Thr)

Gene: FANCC (FA complementation group C; minus strand). Cytogenetic location: 9q22.32.
Variant type: single nucleotide variant.
Coding change: c.115G>A on transcript NM_000136.3 (MANE Select); coding-DNA position 115, G replaced by A.
Protein change: p.Ala39Thr; replaces alanine 39 with threonine.
Molecular consequence: missense variant.
Genome position (GRCh38, 1-based): chr9:95,249,177, C>T on the plus strand (G>A on the coding strand, the complement: FANCC is on the minus strand). VCF-style: chr9-95249177-C-T. GRCh37 (hg19) VCF-style: chr9-98011459-C-T.
Other names: c.115G>A, p.Ala39Thr (NM_001243743.2, NM_001243744.2); short protein forms A39T.
Identifiers: ClinVar variation 1736372 (VCV001736372.2), dbSNP rs2136100841, ClinGen allele CA374340303.